The following is an entry in ClinVar:

NM_000264.5(PTCH1):c.1067+4A>C

Gene: PTCH1 (patched 1; minus strand). Cytogenetic location: 9q22.32.
Variant type: single nucleotide variant.
Coding change: c.1067+4A>C on transcript NM_000264.5 (MANE Select); 4 bases into the intron after coding-DNA position 1067, A replaced by C.
Molecular consequence: intron variant.
Genome position (GRCh38, 1-based): chr9:95,479,965, T>G on the plus strand (A>C on the coding strand, the complement: PTCH1 is on the minus strand). VCF-style: chr9-95479965-T-G. GRCh37 (hg19) VCF-style: chr9-98242247-T-G.
Other names: c.1064+4A>C (NM_001083603.3); c.869+4A>C (NM_001083602.3); c.1067+4A>C (NM_001354918.2); c.614+4A>C (NM_001083605.3, NM_001083604.3, NM_001083606.3 and 1 more transcripts).
Identifiers: ClinVar variation 3719099 (VCV003719099.2).

ClinVar aggregate classification (germline): Uncertain significance (1 of 4 stars; one submission).

Conditions:
Gorlin syndrome. Also called: Basal cell nevus syndrome; Nevoid Basal Cell Carcinoma Syndrome. Identifiers: Orphanet 377, MedGen C0004779, MONDO:0007187.

Submission:

Labcorp Genetics (formerly Invitae), Labcorp
Classification: Uncertain significance for Gorlin syndrome. Last evaluated: 2024-08-17. Review status: criteria provided, single submitter. Criteria: Invitae Variant Classification Sherloc (09022015). Collection method: clinical testing. Allele origin: germline.
Comment: This sequence change falls in intron 7 of the PTCH1 gene. It does not directly change the encoded amino acid sequence of the PTCH1 protein. It affects a nucleotide within the consensus splice site. This variant is not present in population databases (gnomAD no frequency). This variant has not been reported in the literature in individuals affected with PTCH1-related conditions. Variants that disrupt the consensus splice site are a relatively common cause of aberrant splicing (PMID: 17576681, 9536098). Algorithms developed to predict the effect of sequence changes on RNA splicing suggest that this variant is not likely to affect RNA splicing. In summary, the available evidence is currently insufficient to determine the role of this variant in disease. Therefore, it has been classified as a Variant of Uncertain Significance.

Literature cited by the submitters: PubMed 17576681; PubMed 9536098.